The following is an entry in ClinVar:

NM_001110556.2(FLNA):c.3296_3304delinsTCGG (p.Gly1099fs)

Gene: FLNA (filamin A; minus strand). Cytogenetic location: Xq28.
Variant type: Indel.
Coding change: c.3296_3304delinsTCGG on transcript NM_001110556.2 (MANE Select); coding-DNA positions 3296 to 3304, GCCTGGGCC replaced by TCGG.
Protein change: p.Gly1099fs; shifts the reading frame from glycine 1099.
Molecular consequence: frameshift variant.
Genome position (GRCh38, 1-based): chrX:154,360,491-154,360,499, GGCCCAGGC replaced by CCGA on the plus strand (GCCTGGGCC replaced by TCGG on the coding strand, the reverse complement: FLNA is on the minus strand). VCF-style: chrX-154360491-GGCCCAGGC-CCGA. GRCh37 (hg19) VCF-style: chrX-153588859-GGCCCAGGC-CCGA.
Other names: c.3296_3304delinsTCGG, p.Gly1099fs (NM_001456.4); short protein forms G1099fs.
Identifiers: ClinVar variation 662513 (VCV000662513.6), dbSNP rs1603361195, ClinGen allele CA915952391.

ClinVar aggregate classification (germline): Pathogenic (1 of 4 stars; one submission).

Conditions:
Frontometaphyseal dysplasia (FMD1). Identifiers: Orphanet 1826, MedGen C0265293, MONDO:0015942.
Oto-palato-digital syndrome, type II (OPD2). Also called: FACIOPALATOOSSEOUS SYNDROME; Otopalatodigital Syndrome, Type II; Otopalatodigital Syndrome Type 2 (FLNA-OPD2); OPD II SYNDROME. Identifiers: Orphanet 669, Orphanet 90652, MedGen C1844696, MONDO:0010571, OMIM 304120.
Heterotopia, periventricular, X-linked dominant (PVNH1). Also called: PERIVENTRICULAR NODULAR HETEROTOPIA 4; HETEROTOPIA, PERIVENTRICULAR, 1; PERIVENTRICULAR NODULAR HETEROTOPIA 1; X-linked periventricular heterotopia. Identifiers: Orphanet 2149, Orphanet 82004, MedGen C1848213, MONDO:0010233, OMIM 300049.
Melnick-Needles syndrome (MNS). Also called: Melnick-Needles Syndrome (FLNA-MNS); MELNICK-NEEDLES OSTEODYSPLASTY; OSTEODYSPLASTY OF MELNICK AND NEEDLES. Identifiers: Orphanet 2484, MedGen C0025237, MONDO:0010650, OMIM 309350.

Submission:

Labcorp Genetics (formerly Invitae), Labcorp
Classification: Pathogenic for Oto-palato-digital syndrome, type II; Heterotopia, periventricular, X-linked dominant; Frontometaphyseal dysplasia; Melnick-Needles syndrome. Last evaluated: 2018-10-14. Review status: criteria provided, single submitter. Criteria: Invitae Variant Classification Sherloc (09022015). Collection method: clinical testing. Allele origin: germline.
Comment: For these reasons, this variant has been classified as Pathogenic. Loss-of-function variants in FLNA are known to be pathogenic (PMID: 16684786, 20730588, 26471271). This variant is not present in population databases (ExAC no frequency). This sequence change creates a premature translational stop signal (p.Gly1099Valfs*9) in the FLNA gene. It is expected to result in an absent or disrupted protein product.

Literature cited by the submitters: PubMed 16684786; PubMed 20730588; PubMed 26471271.